The following is an entry in ClinVar:

ClinVar aggregate classification (germline): Likely benign (0 of 4 stars; one submission).

Conditions:
FAM83H-related disorder. Also called: FAM83H-related condition.

Allele frequency attached by ClinVar (database versions not stated): TOPMed below 0.00001; gnomAD 0.00007; 1000 Genomes Project 30x 0.00016; gnomAD exomes 0.00017; 1000 Genomes Project 0.00020; ExAC 0.00035.

Submission:

PreventionGenetics, part of Exact Sciences
Classification: Likely benign for FAM83H-related condition. Last evaluated: 2020-03-06. Review status: no assertion criteria provided. Collection method: clinical testing. Allele origin: germline.
Comment: This variant is classified as likely benign based on ACMG/AMP sequence variant interpretation guidelines (Richards et al. 2015 PMID: 25741868, with internal and published modifications).

NM_198488.5(FAM83H):c.3211C>G (p.Leu1071Val)

Gene: FAM83H (family with sequence similarity 83 member H; minus strand). Cytogenetic location: 8q24.3.
Variant type: single nucleotide variant.
Coding change: c.3211C>G on transcript NM_198488.5 (MANE Select); coding-DNA position 3211, C replaced by G.
Protein change: p.Leu1071Val; replaces leucine 1071 with valine.
Molecular consequence: missense variant.
Genome position (GRCh38, 1-based): chr8:143,726,250, G>C on the plus strand (C>G on the coding strand, the complement: FAM83H is on the minus strand). VCF-style: chr8-143726250-G-C. GRCh37 (hg19) VCF-style: chr8-144808420-G-C.
Other names: short protein forms L1071V.
Identifiers: ClinVar variation 3051740 (VCV003051740.2), dbSNP rs571295760, ClinGen allele CA4917027.